The following is an entry in ClinVar:

NM_001005273.3(CHD3):c.4782G>C (p.Glu1594Asp)

Gene: CHD3 (chromodomain helicase DNA binding protein 3; plus strand). Cytogenetic location: 17p13.1.
Variant type: single nucleotide variant.
Coding change: c.4782G>C on transcript NM_001005273.3 (MANE Select); coding-DNA position 4782, G replaced by C.
Protein change: p.Glu1594Asp; replaces glutamic acid 1594 with aspartic acid.
Molecular consequence: missense variant.
Genome position (GRCh38, 1-based): chr17:7,907,241, G>C. VCF-style: chr17-7907241-G-C. GRCh37 (hg19) VCF-style: chr17-7810559-G-C.
Other names: c.4959G>C, p.Glu1653Asp (NM_001005271.3); c.4782G>C, p.Glu1594Asp (NM_005852.4); short protein forms E1594D, E1653D.
Identifiers: ClinVar variation 2579514 (VCV002579514.1), dbSNP rs756565340, ClinGen allele CA397947106.
Genomic context (GRCh38, chr17:7,907,241, plus strand): 5'-GGAAGCTGAAAACCAGGAGGAAAAGCCAGAGAAGAACAGCAGAATTGGGGAGAAGATGGA[G>C]ACAGAGGTGTGTGGCTCCCTGGATTCCCCTGTGGAGCGGGAGGGGAGGGGGCTTGGAGGC-3'
Protein context (NP_001005273.1, residues 1584-1604): EKNSRIGEKM[Glu1594Asp]TEADAPSPAP

ClinVar aggregate classification (germline): Uncertain significance (1 of 4 stars; one submission).

Submission:

GeneDx
Classification: Uncertain significance. Last evaluated: 2023-08-26. Review status: criteria provided, single submitter. Criteria: GeneDx Variant Classification Process June 2021. Collection method: clinical testing. Allele origin: germline. Affected: yes.
Comment: Not observed at significant frequency in large population cohorts (gnomAD); In silico analysis supports that this missense variant does not alter protein structure/function; Has not been previously published as pathogenic or benign to our knowledge